The following is an entry in ClinVar:

ClinVar aggregate classification (germline): Uncertain significance (1 of 4 stars; one submission).

Conditions:
Inborn genetic diseases. Identifiers: MedGen C0950123, MeSH D030342.

Submission:

Ambry Genetics
Classification: Uncertain significance for Inborn genetic diseases. Last evaluated: 2024-12-25. Review status: criteria provided, single submitter. Criteria: Ambry Variant Classification Scheme 2023. Collection method: clinical testing. Allele origin: germline.
Comment: The p.P204T variant (also known as c.610C>A), located in coding exon 1 of the CEBPA gene, results from a C to A substitution at nucleotide position 610. The proline at codon 204 is replaced by threonine, an amino acid with highly similar properties. This amino acid position is conserved. In addition, this alteration is predicted to be tolerated by in silico analysis. Based on the available evidence, the clinical significance of this variant remains unclear.

NM_004364.5(CEBPA):c.610C>A (p.Pro204Thr)

Gene: CEBPA (CCAAT enhancer binding protein alpha; minus strand). Cytogenetic location: 19q13.11.
Variant type: single nucleotide variant.
Coding change: c.610C>A on transcript NM_004364.5 (MANE Select); coding-DNA position 610, C replaced by A.
Protein change: p.Pro204Thr; replaces proline 204 with threonine.
Molecular consequence: missense variant.
Genome position (GRCh38, 1-based): chr19:33,301,805, G>T on the plus strand (C>A on the coding strand, the complement: CEBPA is on the minus strand). VCF-style: chr19-33301805-G-T. GRCh37 (hg19) VCF-style: chr19-33792711-G-T.
Other names: c.253C>A, p.Pro85Thr (NM_001285829.2); c.715C>A, p.Pro239Thr (NM_001287424.2); c.568C>A, p.Pro190Thr (NM_001287435.2); short protein forms P190T, P204T, P239T, P85T.
Identifiers: ClinVar variation 3831168 (VCV003831168.1).